The following is an entry in ClinVar:

ClinVar aggregate classification (germline): Uncertain significance (1 of 4 stars; one submission).

Allele frequency attached by ClinVar (database versions not stated): gnomAD exomes below 0.00001; ExAC 0.00001; gnomAD 0.00001.
gnomAD v4.1: 4 of 1,614,078 alleles (0.00025%); highest among the groups gnomAD compares: Middle Eastern, 0.016%; no homozygotes.

Submission:

Labcorp Genetics (formerly Invitae), Labcorp
Classification: Uncertain significance. Last evaluated: 2023-08-21. Review status: criteria provided, single submitter. Criteria: Invitae Variant Classification Sherloc (09022015). Collection method: clinical testing. Allele origin: germline.
Comment: This variant is present in population databases (rs747038976, gnomAD 0.002%). In summary, the available evidence is currently insufficient to determine the role of this variant in disease. Therefore, it has been classified as a Variant of Uncertain Significance. An algorithm developed to predict the effect of missense changes on protein structure and function (PolyPhen-2) suggests that this variant is likely to be disruptive. This variant has not been reported in the literature in individuals affected with ARHGAP31-related conditions. This sequence change replaces glutamine, which is neutral and polar, with lysine, which is basic and polar, at codon 75 of the ARHGAP31 protein (p.Gln75Lys).

NM_020754.4(ARHGAP31):c.223C>A (p.Gln75Lys)

Gene: ARHGAP31 (Rho GTPase activating protein 31; plus strand). Cytogenetic location: 3q13.33.
Variant type: single nucleotide variant.
Coding change: c.223C>A on transcript NM_020754.4 (MANE Select); coding-DNA position 223, C replaced by A.
Protein change: p.Gln75Lys; replaces glutamine 75 with lysine.
Molecular consequence: missense variant.
Genome position (GRCh38, 1-based): chr3:119,368,391, C>A. VCF-style: chr3-119368391-C-A. GRCh37 (hg19) VCF-style: chr3-119087238-C-A.
Other names: short protein forms Q75K.
Identifiers: ClinVar variation 2973168 (VCV002973168.3), dbSNP rs747038976, ClinGen allele CA2553505.
Genomic context (GRCh38, chr3:119,368,391, plus strand): 5'-CACTCCCTGGGATTGTTATGTCTCCGTCTGTGTTGTTTCAGGCAAGAGTTTGGCTCAGAT[C>A]AATGTCCAGATCTGACAAGGGAAGTGTACCTCCAGGACATCCACTGTGTGGGCTCGCTTT-3'
Protein context (NP_065805.2, residues 65-85): QRLRQEFGSD[Gln75Lys]CPDLTREVYL